The following is an entry in ClinVar:

NM_001134407.3(GRIN2A):c.1114T>C (p.Trp372Arg)

Gene: GRIN2A (glutamate ionotropic receptor NMDA type subunit 2A; minus strand). Cytogenetic location: 16p13.2.
Variant type: single nucleotide variant.
Coding change: c.1114T>C on transcript NM_001134407.3 (MANE Select); coding-DNA position 1114, T replaced by C.
Protein change: p.Trp372Arg; replaces tryptophan 372 with arginine.
Molecular consequence: missense variant.
Genome position (GRCh38, 1-based): chr16:9,890,994, A>G on the plus strand (T>C on the coding strand, the complement: GRIN2A is on the minus strand). VCF-style: chr16-9890994-A-G. GRCh37 (hg19) VCF-style: chr16-9984851-A-G.
Other names: c.1114T>C, p.Trp372Arg (NM_000833.5, NM_001134408.2); short protein forms W372R.
Identifiers: ClinVar variation 4056978 (VCV004056978.1).

ClinVar aggregate classification (germline): Uncertain significance (1 of 4 stars; one submission).

Submission:

GeneDx
Classification: Uncertain significance. Last evaluated: 2025-01-08. Review status: criteria provided, single submitter. Criteria: GeneDx Variant Classification Process June 2021. Collection method: clinical testing. Allele origin: germline. Affected: yes.
Comment: Not observed at significant frequency in large population cohorts (gnomAD); In silico analysis supports that this missense variant has a deleterious effect on protein structure/function; Has not been previously published as pathogenic or benign to our knowledge